The following is an entry in ClinVar:

ClinVar aggregate classification (germline): Likely pathogenic (1 of 4 stars; one submission).

Conditions:
Joubert syndrome. Also called: CEREBELLOPARENCHYMAL DISORDER IV; JOUBERT-BOLTSHAUSER SYNDROME; Familial aplasia of the vermis. Identifiers: Orphanet 475, MedGen C5979921, MONDO:0018772.
Nephronophthisis. Also called: Juvenile Nephronophthisis. Identifiers: Orphanet 655, MedGen C0687120, MONDO:0019005, HP:0000090.
Meckel-Gruber syndrome. Also called: DYSENCEPHALIA SPLANCHNOCYSTICA; GRUBER SYNDROME; Dysencephalia splachnocystica. Identifiers: Orphanet 564, MedGen C0265215, MONDO:0018921.

Submission:

Labcorp Genetics (formerly Invitae), Labcorp
Classification: Likely pathogenic for Joubert syndrome; Meckel-Gruber syndrome; Nephronophthisis. Last evaluated: 2023-08-11. Review status: criteria provided, single submitter. Criteria: Invitae Variant Classification Sherloc (09022015). Collection method: clinical testing. Allele origin: unknown.
Comment: This variant results in a copy number gain of the genomic region encompassing exon(s) 47-49 of the CEP290 gene. While the exact position of this variant cannot be determined from the data, sub-genic copy number gains are generally in tandem (PMID: 25640679). This variant is predicted to be out-of-frame, and may result in an absent or disrupted protein product. Loss-of-function variants in CEP290 are known to be pathogenic (PMID: 16909394, 17345604, 20690115). This variant has not been reported in the literature in individuals affected with CEP290-related conditions. In summary, the currently available evidence indicates that the variant is pathogenic, but additional data are needed to prove that conclusively. Therefore, this variant has been classified as Likely Pathogenic.

Literature cited by the submitters: PubMed 25640679; PubMed 16909394; PubMed 17345604; PubMed 20690115.

NC_000012.11:g.(?_88452605)_(88454791_?)dup

Gene: CEP290 (centrosomal protein 290; minus strand). Cytogenetic location: 12q21.32.
Variant type: Duplication.
Identifiers: ClinVar variation 3244275 (VCV003244275.1).